The following is an entry in ClinVar:

NM_002473.6(MYH9):c.5853G>A (p.Ala1951=)

Gene: MYH9 (myosin heavy chain 9; minus strand). Cytogenetic location: 22q12.3.
Variant type: single nucleotide variant.
Coding change: c.5853G>A on transcript NM_002473.6 (MANE Select); coding-DNA position 5853, G replaced by A.
Protein change: p.Ala1951=; no amino-acid change (alanine 1951 retained).
Molecular consequence: synonymous variant.
Genome position (GRCh38, 1-based): chr22:36,282,698, C>T on the plus strand (G>A on the coding strand, the complement: MYH9 is on the minus strand). VCF-style: chr22-36282698-C-T. GRCh37 (hg19) VCF-style: chr22-36678744-C-T.
Identifiers: ClinVar variation 504938 (VCV000504938.7), dbSNP rs746116612, ClinGen allele CA10208887.
Genomic context (GRCh38, chr22:36,282,698, plus strand): 5'-CCATCCATCTCAGGCTGCAGGAGAAGAGGCTTATTCGGCAGGTTTGGCCTCAGCCCCATC[C>T]GCTTTGCCATCTACCTCTTCGTCGGAGCCATCCCCGGCGCCTTTCCGGGCCATTCGGCGG-3'
Protein context (NP_002464.1, residues 1941-1960): DGSDEEVDGK[Ala1951=]DGAEAKPAE

ClinVar aggregate classification (germline): Benign/Likely benign. Review status: criteria provided, multiple submitters, no conflicts (2 of 4 stars). 2 submissions from 2 submitters: Benign (1); Likely benign (1). Last evaluated 2026-01-22.

Allele frequency attached by ClinVar (database versions not stated): TOPMed 0.00001; ExAC 0.00002; gnomAD 0.00002; gnomAD exomes 0.00002 and 0.00004.
gnomAD v4.1: 58 of 1,613,934 alleles (0.0036%); highest among the groups gnomAD compares: Non-Finnish European, 0.0046%; no homozygotes.

Submissions (2):

Labcorp Genetics (formerly Invitae), Labcorp
Classification: Benign. Last evaluated: 2026-01-22. Review status: criteria provided, single submitter. Criteria: Invitae Variant Classification Sherloc (09022015). Collection method: clinical testing. Allele origin: germline.

Laboratory for Molecular Medicine, Mass General Brigham Personalized Medicine
Classification: Likely benign. Last evaluated: 2016-05-05. Review status: criteria provided, single submitter. Criteria: LMM Criteria. Collection method: clinical testing. Allele origin: germline. Observed: 1 variant allele.
Comment: p.Ala1951Ala in exon 41 of MYH9: This variant is not expected to have clinical s ignificance because it does not alter an amino acid residue and is not located w ithin the splice consensus sequence. It has been identified in 1/66662 of Europe an chromosomes and in 1/10392 of African chromosomes by the Exome Aggregation Co nsortium (ExAC; dbSNP rs746116612).